The following is an entry in ClinVar:

ClinVar aggregate classification (germline): other (0 of 4 stars; one submission).

Conditions:
Familial colorectal cancer. Identifiers: MedGen CN280943, MONDO:0023113. Disease mechanism: loss of function.

Submission:

Systems Biology Platform Zhejiang California International NanoSystems Institute
Classification: other for Familial colorectal cancer. Review status: no assertion criteria provided. Collection method: not provided. Allele origin: unknown.
ClinVar note: Converted during submission from cancer to other.

NM_000038.6(APC):c.135+3577G>C

Gene: APC (APC regulator of WNT signaling pathway; plus strand). Cytogenetic location: 5q22.2.
Variant type: single nucleotide variant.
Coding change: c.135+3577G>C on transcript NM_000038.6 (MANE Select); 3577 bases into the intron after coding-DNA position 135, G replaced by C.
Molecular consequence: intron variant.
Genome position (GRCh38, 1-based): chr5:112,758,602, G>C. VCF-style: chr5-112758602-G-C. GRCh37 (hg19) VCF-style: chr5-112094299-G-C.
Other names: c.135+3577G>C (NM_001354895.2, NM_001127510.3, NM_001354896.2 and 2 more transcripts); c.166-7724G>C (NM_001354897.2, NM_001354902.2, NM_001127511.3); c.61-7724G>C (NM_001354898.2, NM_001354904.2); c.-901+3577G>C (NM_001354906.2); c.-42-7724G>C (NM_001354900.2, NM_001354901.2, NM_001354905.2).
Identifiers: ClinVar variation 82825 (VCV000082825.2), dbSNP rs76976179, ClinGen allele CA004291.